The following is an entry in ClinVar:

NM_201384.3(PLEC):c.2888A>G (p.His963Arg)

Gene: PLEC (plectin; minus strand). Cytogenetic location: 8q24.3.
Variant type: single nucleotide variant.
Coding change: c.2888A>G on transcript NM_201384.3 (MANE Select); coding-DNA position 2888, A replaced by G.
Protein change: p.His963Arg; replaces histidine 963 with arginine.
Molecular consequence: missense variant.
Genome position (GRCh38, 1-based): chr8:143,929,681, T>C on the plus strand (A>G on the coding strand, the complement: PLEC is on the minus strand). VCF-style: chr8-143929681-T-C. GRCh37 (hg19) VCF-style: chr8-145003849-T-C.
Other names: c.2969A>G, p.His990Arg (NM_000445.5); c.2846A>G, p.His949Arg (NM_201378.4); c.2822A>G, p.His941Arg (NM_201379.3); c.3299A>G, p.His1100Arg (NM_201380.4); c.2792A>G, p.His931Arg (NM_201381.3); c.2888A>G, p.His963Arg (NM_201382.4); c.2900A>G, p.His967Arg (NM_201383.3); short protein forms H967R, H990R, H1100R, H931R, H941R, H963R, H949R.
Identifiers: ClinVar variation 1397873 (VCV001397873.8), dbSNP rs781991187, ClinGen allele CA4927312.

ClinVar aggregate classification (germline): Uncertain significance (1 of 4 stars; one submission).

Conditions:
Epidermolysis bullosa simplex 5B, with muscular dystrophy (EBS5B). Also called: Epidermolysis bullosa simplex with muscular dystrophy; EPIDERMOLYSIS BULLOSA SIMPLEX AND LIMB-GIRDLE MUSCULAR DYSTROPHY. Identifiers: Orphanet 257, MedGen C2931072, MONDO:0009181, OMIM 226670.
Epidermolysis bullosa simplex 5C, with pyloric atresia (EBS5C). Also called: PLEC1-Related Epidermolysis Bullosa with Pyloric Atresia; PLEC-Related Epidermolysis Bullosa with Pyloric Atresia; Epidermolysis bullosa simplex with pyloric atresia. Identifiers: Orphanet 158684, MedGen C2677349, MONDO:0012807, OMIM 612138.
Autosomal recessive limb-girdle muscular dystrophy type 2Q (LGMDR17). Also called: MUSCULAR DYSTROPHY, LIMB-GIRDLE, AUTOSOMAL RECESSIVE 17. Identifiers: Orphanet 254361, MedGen C3150989, MONDO:0013390, OMIM 613723.
Epidermolysis bullosa simplex, Ogna type (EBS5A). Also called: Pidermolysis bullosa simplex 5A, Ogna type; EPIDERMOLYSIS BULLOSA SIMPLEX 5A, OGNA TYPE. Identifiers: Orphanet 79401, MedGen C0432317, MONDO:0007555, OMIM 131950.
Epidermolysis bullosa simplex with nail dystrophy (EBS5D). Identifiers: MedGen C4225309, MONDO:0014661, OMIM 616487.

Allele frequency attached by ClinVar (database versions not stated): gnomAD exomes below 0.00001; ExAC 0.00001.
gnomAD v4.1: 2 of 1,599,984 alleles (0.00013%); highest among the groups gnomAD compares: East Asian, 0.0022%; no homozygotes.

Submission:

Labcorp Genetics (formerly Invitae), Labcorp
Classification: Uncertain significance for Autosomal recessive limb-girdle muscular dystrophy type 2Q; Epidermolysis bullosa simplex, Ogna type; Epidermolysis bullosa simplex with nail dystrophy; Epidermolysis bullosa simplex 5C, with pyloric atresia; Epidermolysis bullosa simplex 5B, with muscular dystrophy. Last evaluated: 2022-11-29. Review status: criteria provided, single submitter. Criteria: Invitae Variant Classification Sherloc (09022015). Collection method: clinical testing. Allele origin: germline.
Comment: In summary, the available evidence is currently insufficient to determine the role of this variant in disease. Therefore, it has been classified as a Variant of Uncertain Significance. Advanced modeling of protein sequence and biophysical properties (such as structural, functional, and spatial information, amino acid conservation, physicochemical variation, residue mobility, and thermodynamic stability) performed at Invitae indicates that this missense variant is not expected to disrupt PLEC protein function. ClinVar contains an entry for this variant (Variation ID: 1397873). This variant has not been reported in the literature in individuals affected with PLEC-related conditions. This variant is present in population databases (rs781991187, gnomAD 0.006%). This sequence change replaces histidine, which is basic and polar, with arginine, which is basic and polar, at codon 990 of the PLEC protein (p.His990Arg).